The following is an entry in ClinVar:

NM_017882.3(CLN6):c.884A>G (p.Tyr295Cys)

Gene: CLN6 (CLN6 transmembrane ER protein; minus strand). Cytogenetic location: 15q23.
Variant type: single nucleotide variant.
Coding change: c.884A>G on transcript NM_017882.3 (MANE Select); coding-DNA position 884, A replaced by G.
Protein change: p.Tyr295Cys; replaces tyrosine 295 with cysteine.
Molecular consequence: missense variant.
Genome position (GRCh38, 1-based): chr15:68,208,192, T>C on the plus strand (A>G on the coding strand, the complement: CLN6 is on the minus strand). VCF-style: chr15-68208192-T-C. GRCh37 (hg19) VCF-style: chr15-68500530-T-C.
Other names: short protein forms Y295C.
Identifiers: ClinVar variation 1184006 (VCV001184006.1), dbSNP rs2141135900, ClinGen allele CA392971642.

ClinVar aggregate classification (germline): Likely pathogenic (1 of 4 stars; one submission).

Conditions:
Ceroid lipofuscinosis, neuronal, 6A. Also called: CLN6-Related Neuronal Ceroid-Lipofuscinosis; Neuronal ceroid lipofuscinosis, late infantile, variant; Neuronal ceroid lipofuscinosis, Gypsy/Indian early juvenile variant; Neuronal ceroid lipofuscinosis 6. Identifiers: Orphanet 168491, Orphanet 228363, MedGen C5551375, MONDO:0011144, OMIM 601780.

Submission:

Neurogenetics, Cyprus Institute of Neurology and Genetics
Classification: Likely pathogenic for Ceroid lipofuscinosis, neuronal, 6A. Last evaluated: 2021-07-20. Review status: criteria provided, single submitter. Criteria: ACMG Guidelines, 2015. Collection method: clinical testing. Allele origin: de novo. Affected: yes.
Comment: CLN6 c.884A>G sequence change replaces Tyrosine with Cysteine at codon 295 of the CLN6 protein (p. Tyr295Cys). Tyrosine is an aromatic highly conserved amino acid and there is a physicochemical difference between Tyrosine and Cysteine. In silico, prediction analysis (SIFT, PolyPhen-2, MutationTaster, VarCards) showed that this variant is Likely Pathogenic. In summary, the currently available evidence indicates that the variant is pathogenic, but additional data are needed to prove that conclusively. Therefore, this variant has been classified as Likely Pathogenic.